The following is an entry in ClinVar:

NM_000238.4(KCNH2):c.694C>T (p.Arg232Cys)

Gene: KCNH2 (potassium voltage-gated channel subfamily H member 2; minus strand). Cytogenetic location: 7q36.1.
Variant type: single nucleotide variant.
Coding change: c.694C>T on transcript NM_000238.4 (MANE Select); coding-DNA position 694, C replaced by T.
Protein change: p.Arg232Cys; replaces arginine 232 with cysteine.
Molecular consequence: missense variant.
Genome position (GRCh38, 1-based): chr7:150,958,281, G>A on the plus strand (C>T on the coding strand, the complement: KCNH2 is on the minus strand). VCF-style: chr7-150958281-G-A. GRCh37 (hg19) VCF-style: chr7-150655369-G-A.
Other names: c.406C>T, p.Arg136Cys (NM_001406753.1, NM_001406756.1); c.517C>T, p.Arg173Cys (NM_001406755.1); c.394C>T, p.Arg132Cys (NM_001406757.1); c.694C>T, p.Arg232Cys (NM_172056.3); short protein forms R232C, R173C, R132C, R136C.
Identifiers: ClinVar variation 855032 (VCV000855032.12), dbSNP rs956828658, ClinGen allele CA169081320.

ClinVar aggregate classification (germline): Uncertain significance. Review status: criteria provided, multiple submitters, no conflicts (2 of 4 stars). 2 submissions from 2 submitters: Uncertain significance (2). Last evaluated 2022-09-21.

Conditions:
Cardiovascular phenotype. Identifiers: MedGen CN230736.
Long QT syndrome (LQTS). Identifiers: MedGen C0023976, MeSH D008133, MONDO:0002442. Disease mechanism: loss of function. Inheritance: Various modes of inheritance.

Allele frequency attached by ClinVar (database versions not stated): gnomAD 0.00003; TOPMed 0.00002; gnomAD exomes below 0.00001.

Submissions (2):

Ambry Genetics
Classification: Uncertain significance for Cardiovascular phenotype. Last evaluated: 2022-09-21. Review status: criteria provided, single submitter. Criteria: Ambry Variant Classification Scheme 2023. Collection method: clinical testing. Allele origin: germline.
Comment: The p.R232C variant (also known as c.694C>T), located in coding exon 4 of the KCNH2 gene, results from a C to T substitution at nucleotide position 694. The arginine at codon 232 is replaced by cysteine, an amino acid with highly dissimilar properties. This amino acid position is not well conserved in available vertebrate species. In addition, the in silico prediction for this alteration is inconclusive. Since supporting evidence is limited at this time, the clinical significance of this alteration remains unclear.

Labcorp Genetics (formerly Invitae), Labcorp
Classification: Uncertain significance for Long QT syndrome. Last evaluated: 2022-03-23. Review status: criteria provided, single submitter. Criteria: Invitae Variant Classification Sherloc (09022015). Collection method: clinical testing. Allele origin: germline.
Comment: Algorithms developed to predict the effect of missense changes on protein structure and function are either unavailable or do not agree on the potential impact of this missense change (SIFT: "Deleterious"; PolyPhen-2: "Benign"; Align-GVGD: "Class C0"). This sequence change replaces arginine, which is basic and polar, with cysteine, which is neutral and slightly polar, at codon 232 of the KCNH2 protein (p.Arg232Cys). This variant is present in population databases (no rsID available, gnomAD 0.01%). This variant has not been reported in the literature in individuals affected with KCNH2-related conditions. ClinVar contains an entry for this variant (Variation ID: 855032). Algorithms developed to predict the effect of sequence changes on RNA splicing suggest that this variant may create or strengthen a splice site. In summary, the available evidence is currently insufficient to determine the role of this variant in disease. Therefore, it has been classified as a Variant of Uncertain Significance.